The following is an entry in ClinVar:

ClinVar aggregate classification (germline): Pathogenic/Likely pathogenic. Review status: criteria provided, multiple submitters, no conflicts (2 of 4 stars). 2 submissions from 2 submitters: Pathogenic (1); Likely pathogenic (1). Last evaluated 2023-03-15.

Conditions:
Combined malonic and methylmalonic acidemia. Identifiers: Orphanet 289504, MedGen C3280314, MONDO:0013661, OMIM 614265.

Allele frequency attached by ClinVar (database versions not stated): TOPMed below 0.00001.

Submissions (2):

Baylor Genetics
Classification: Likely pathogenic for Combined malonic and methylmalonic acidemia. Last evaluated: 2023-03-15. Review status: criteria provided, single submitter. Criteria: ACMG Guidelines, 2015. Collection method: clinical testing. Allele origin: unknown.

Labcorp Genetics (formerly Invitae), Labcorp
Classification: Pathogenic for Combined malonic and methylmalonic acidemia. Last evaluated: 2021-10-05. Review status: criteria provided, single submitter. Criteria: Invitae Variant Classification Sherloc (09022015). Collection method: clinical testing. Allele origin: germline.
Comment: For these reasons, this variant has been classified as Pathogenic. ClinVar contains an entry for this variant (Variation ID: 1075477). This variant has not been reported in the literature in individuals affected with ACSF3-related conditions. This variant is not present in population databases (ExAC no frequency). This sequence change creates a premature translational stop signal (p.Ala253Glyfs*17) in the ACSF3 gene. It is expected to result in an absent or disrupted protein product. Loss-of-function variants in ACSF3 are known to be pathogenic (PMID: 21841779, 26827111).

Literature cited by the submitters: PubMed 21841779 (cited by Labcorp Genetics (formerly Invitae), Labcorp); PubMed 26827111 (cited by Labcorp Genetics (formerly Invitae), Labcorp).

NM_001243279.3(ACSF3):c.757dup (p.Ala253fs)

Gene: ACSF3 (acyl-CoA synthetase family member 3; plus strand). Cytogenetic location: 16q24.3.
Variant type: Duplication.
Coding change: c.757dup on transcript NM_001243279.3 (MANE Select); coding-DNA position 757, one base duplicated (G; older notation c.757dupG).
Protein change: p.Ala253fs; shifts the reading frame from alanine 253.
Molecular consequence: frameshift variant. On other transcripts: 5 prime UTR variant (1), non-coding transcript variant (3).
Genome position (GRCh38, 1-based): chr16:89,102,694, G duplicated. VCF-style (leftmost placement, unchanged base first): chr16-89102693-C-CG. GRCh37 (hg19) VCF-style: chr16-89169101-C-CG.
Other names: c.757dup, p.Ala253fs (NM_001127214.4, NM_174917.5); c.-39dup (NM_001284316.2); short protein forms A253fs.
Identifiers: ClinVar variation 1075477 (VCV001075477.8), dbSNP rs1975494455, ClinGen allele CA2241489367.
Genomic context (GRCh38, chr16:89,102,693, plus strand): 5'-GACCAAAGACGACGTGATCCTCCACGTGCTCCCGCTGCACCACGTCCATGGTGTGGTCAA[C>CG]GCGCTGCTCTGTCCTCTCTGGGTGGGAGCCACCTGTGTGATGATGCCTGAGTTCAGCCCT-3'